The following is an entry in ClinVar:

ClinVar aggregate classification (germline): Uncertain significance. Review status: criteria provided, multiple submitters, no conflicts (2 of 4 stars). 3 submissions from 3 submitters: Uncertain significance (3). Last evaluated 2026-02-10.

gnomAD v4.1: 2 of 1,613,116 alleles (0.00012%); highest among the groups gnomAD compares: East Asian, 0.0022%; no homozygotes.

Submissions (3):

Women's Health and Genetics/Laboratory Corporation of America, LabCorp
Classification: Uncertain significance. Last evaluated: 2026-02-10. Review status: criteria provided, single submitter. Criteria: LabCorp Variant Classification Summary - May 2015. Collection method: clinical testing. Allele origin: germline.
Comment: Variant summary: IRF2BP2 c.1717A>G (p.Thr573Ala) results in a non-conservative amino acid change in the encoded protein sequence. Algorithms developed to predict the effect of missense changes on protein structure and function are either unavailable or do not agree on the potential impact of this missense change. The variant was absent in 250978 control chromosomes. The available data on variant occurrences in the general population are insufficient to allow any conclusion about variant significance. To our knowledge, no occurrence of c.1717A>G in individuals affected with IRF2BP2-related conditions and no experimental evidence demonstrating its impact on protein function have been reported. ClinVar contains an entry for this variant (Variation ID: 4276705). Based on the evidence outlined above, the variant was classified as uncertain significance.

Ambry Genetics
Classification: Uncertain significance. Last evaluated: 2025-08-13. Review status: criteria provided, single submitter. Criteria: Ambry Variant Classification Scheme 2023. Collection method: clinical testing. Allele origin: germline.

Blueprint Genetics
Classification: Uncertain significance. Last evaluated: 2020-02-10. Review status: criteria provided, single submitter. Criteria: ACMG Guidelines, 2015. Collection method: clinical testing. Allele origin: germline.

NM_182972.3(IRF2BP2):c.1717A>G (p.Thr573Ala)

Gene: IRF2BP2 (interferon regulatory factor 2 binding protein 2; minus strand). Cytogenetic location: 1q42.3.
Variant type: single nucleotide variant.
Coding change: c.1717A>G on transcript NM_182972.3 (MANE Select); coding-DNA position 1717, A replaced by G.
Protein change: p.Thr573Ala; replaces threonine 573 with alanine.
Molecular consequence: missense variant.
Genome position (GRCh38, 1-based): chr1:234,607,184, T>C on the plus strand (A>G on the coding strand, the complement: IRF2BP2 is on the minus strand). VCF-style: chr1-234607184-T-C. GRCh37 (hg19) VCF-style: chr1-234742930-T-C.
Other names: c.1669A>G, p.Thr557Ala (NM_001077397.1); short protein forms T557A, T573A.
Identifiers: ClinVar variation 4276705 (VCV004276705.3).
Genomic context (GRCh38, chr1:234,607,184, plus strand): 5'-GAAACCGGAAAAGTCACGAGTCTCTCTCTTTTTTCACTTTCACATCTCCAGCAAGGATGG[T>C]TGCAATTTCCCCTTGCATAAAGGCCCAGGGGACATTGGAGCCCACAAGAGGGCATTTTTC-3'
Protein context (NP_892017.2, residues 563-583): PWAFMQGEIA[Thr573Ala]ILAGDVKVKK